The following is an entry in ClinVar:

NM_199420.4(POLQ):c.319G>C (p.Glu107Gln)

Gene: POLQ (DNA polymerase theta; minus strand). Cytogenetic location: 3q13.33.
Variant type: single nucleotide variant.
Coding change: c.319G>C on transcript NM_199420.4 (MANE Select); coding-DNA position 319, G replaced by C.
Protein change: p.Glu107Gln; replaces glutamic acid 107 with glutamine.
Molecular consequence: missense variant.
Genome position (GRCh38, 1-based): chr3:121,544,751, C>G on the plus strand (G>C on the coding strand, the complement: POLQ is on the minus strand). VCF-style: chr3-121544751-C-G. GRCh37 (hg19) VCF-style: chr3-121263598-C-G.
Other names: short protein forms E107Q.
Identifiers: ClinVar variation 1728772 (VCV001728772.3), dbSNP rs1285310595, ClinGen allele CA354094265.

ClinVar aggregate classification (germline): Uncertain significance (1 of 4 stars; one submission).

gnomAD v4.1: 3 of 1,611,706 alleles (0.00019%); highest among the groups gnomAD compares: Non-Finnish European, 0.00025%; no homozygotes.

Submission:

Ambry Genetics
Classification: Uncertain significance. Last evaluated: 2024-04-04. Review status: criteria provided, single submitter. Criteria: Ambry Variant Classification Scheme 2023. Collection method: clinical testing. Allele origin: germline.
Comment: The p.E107Q variant (also known as c.319G>C), located in coding exon 2 of the POLQ gene, results from a G to C substitution at nucleotide position 319. The glutamic acid at codon 107 is replaced by glutamine, an amino acid with highly similar properties. This amino acid position is conserved. In addition, this alteration is predicted to be tolerated by in silico analysis. Since supporting evidence is limited at this time, the clinical significance of this alteration remains unclear.